The following is an entry in ClinVar:

ClinVar aggregate classification (germline): Uncertain significance (1 of 4 stars; one submission).

Conditions:
Holocarboxylase synthetase deficiency. Also called: MULTIPLE CARBOXYLASE DEFICIENCY, EARLY ONSET. Identifiers: Orphanet 79242, MedGen C0268581, MONDO:0009666, OMIM 253270.

Allele frequency attached by ClinVar (database versions not stated): TOPMed below 0.00001; ExAC 0.00001; gnomAD exomes 0.00001; ESP Exome Variant Server 0.00008.
gnomAD v4.1: 8 of 1,613,636 alleles (0.0005%); highest among the groups gnomAD compares: East Asian, 0.0022%; no homozygotes.

Submission:

Myriad Genetics, Inc.
Classification: Uncertain significance for Holocarboxylase synthetase deficiency. Last evaluated: 2026-03-27. Review status: criteria provided, single submitter. Criteria: Myriad Autosomal Dominant, Autosomal Recessive and X-Linked Classification Criteria (2023). Collection method: clinical testing. Allele origin: unknown.
Comment: NM_000411.6(HLCS):c.1744G>A(G582R) is a missense variant classified as a variant of uncertain significance in the context of holocarboxylase synthetase deficiency. G582R has been observed in a case with relevant disease (PMID: 12124727). Relevant functional assessments of this variant are not available in the literature. G582R has been observed in referenced population frequency databases. In summary, there is insufficient evidence to classify NM_000411.6(HLCS):c.1744G>A(G582R) as pathogenic or benign. Please note: this variant was assessed in the context of healthy population screening.

Literature cited by the submitters: PubMed 12124727.

NM_001352514.2(HLCS):c.2185G>A (p.Gly729Arg)

Gene: HLCS (holocarboxylase synthetase; minus strand). Cytogenetic location: 21q22.13.
Variant type: single nucleotide variant.
Coding change: c.2185G>A on transcript NM_001352514.2 (MANE Select); coding-DNA position 2185, G replaced by A.
Protein change: p.Gly729Arg; replaces glycine 729 with arginine.
Molecular consequence: missense variant. On other transcripts: non-coding transcript variant (2).
Genome position (GRCh38, 1-based): chr21:36,759,778, C>T on the plus strand (G>A on the coding strand, the complement: HLCS is on the minus strand). VCF-style: chr21-36759778-C-T. GRCh37 (hg19) VCF-style: chr21-38132079-C-T.
Other names: c.1744G>A, p.Gly582Arg (NM_000411.8, NM_001242784.3, NM_001242785.2 and 4 more transcripts); short protein forms G582R, G729R.
Identifiers: ClinVar variation 5004917 (VCV005004917.1), dbSNP rs376899782.